The following is an entry in ClinVar:

ClinVar aggregate classification (germline): Uncertain significance (1 of 4 stars; one submission).

Conditions:
Familial hemophagocytic lymphohistiocytosis 5. Also called: STXBP2-Related Familial Hemophagocytic Lymphohistiocytosis (STXBP2-fHLH). Identifiers: Orphanet 540, MedGen C2751293, MONDO:0013135, OMIM 613101.

Allele frequency attached by ClinVar (database versions not stated): gnomAD exomes below 0.00001.
gnomAD v4.1: 3 of 1,613,984 alleles (0.00019%); highest among the groups gnomAD compares: Non-Finnish European, 0.000085%; no homozygotes.

Submission:

Labcorp Genetics (formerly Invitae), Labcorp
Classification: Uncertain significance for Familial hemophagocytic lymphohistiocytosis 5. Last evaluated: 2022-02-05. Review status: criteria provided, single submitter. Criteria: Invitae Variant Classification Sherloc (09022015). Collection method: clinical testing. Allele origin: germline.
Comment: This sequence change replaces tyrosine, which is neutral and polar, with cysteine, which is neutral and slightly polar, at codon 140 of the STXBP2 protein (p.Tyr140Cys). This variant is present in population databases (no rsID available, gnomAD no frequency). This variant has not been reported in the literature in individuals affected with STXBP2-related conditions. Algorithms developed to predict the effect of missense changes on protein structure and function are either unavailable or do not agree on the potential impact of this missense change (SIFT: "Deleterious"; PolyPhen-2: "Benign"; Align-GVGD: "Class C0"). In summary, the available evidence is currently insufficient to determine the role of this variant in disease. Therefore, it has been classified as a Variant of Uncertain Significance.

NM_006949.4(STXBP2):c.419A>G (p.Tyr140Cys)

Gene: STXBP2 (syntaxin binding protein 2; plus strand). Cytogenetic location: 19p13.2.
Variant type: single nucleotide variant.
Coding change: c.419A>G on transcript NM_006949.4 (MANE Select); coding-DNA position 419, A replaced by G.
Protein change: p.Tyr140Cys; replaces tyrosine 140 with cysteine.
Molecular consequence: missense variant. On other transcripts: non-coding transcript variant (1).
Genome position (GRCh38, 1-based): chr19:7,640,993, A>G. VCF-style: chr19-7640993-A-G. GRCh37 (hg19) VCF-style: chr19-7705879-A-G.
Other names: c.410A>G, p.Tyr137Cys (NM_001127396.3); c.452A>G, p.Tyr151Cys (NM_001272034.2); short protein forms Y137C, Y140C, Y151C.
Identifiers: ClinVar variation 1417827 (VCV001417827.5), dbSNP rs1202493559, ClinGen allele CA403157758.